The following is an entry in ClinVar:

NM_000548.5(TSC2):c.3657CTC[1] (p.Ser1221del)

Gene: TSC2 (TSC complex subunit 2; plus strand). Cytogenetic location: 16p13.3.
Variant type: Microsatellite.
Coding change: c.3657CTC[1] on transcript NM_000548.5 (MANE Select); one copy of the 3-base unit CTC starting at c.3657; the reference has two copies in a row; one copy, 3 bases deleted.
Protein change: p.Ser1221del; deletes serine 1221.
Molecular consequence: inframe indel (on NM_000548.3). On other transcripts: non-coding transcript variant (5).
Genome position (GRCh38, 1-based): chr16:2,081,644-2,081,646, CTC deleted; deleting any 3 consecutive bases within chr16:2,081,641-2,081,646 gives the same sequence; the position shown is the placement nearest the transcript's 3' end. VCF-style (leftmost placement, unchanged base first): chr16-2081640-TCTC-T. GRCh37 (hg19) VCF-style: chr16-2131641-TCTC-T.
Other names: c.3657_3659CTC[1], p.Ser1221del (NM_000548.3); c.3525CTC[1], p.Ser1177del (NM_001077183.3, NM_001370404.1, NM_001406665.1); c.3657CTC[1], p.Ser1221del (NM_001114382.3); c.3417CTC[1], p.Ser1141del (NM_001318827.2); c.3381CTC[1], p.Ser1129del (NM_001318829.2); c.2925CTC[1], p.Ser977del (NM_001318831.2, NM_001406687.1, NM_001406688.1); c.3558CTC[1], p.Ser1188del (NM_001318832.2); c.3528CTC[1], p.Ser1178del (NM_001363528.2, NM_001370405.1, NM_021055.3); and 20 more; short protein forms S1020del, S1021del, S1128del, S1158del, S1184del, S773del, S978del, S1129del.
Identifiers: ClinVar variation 4842408 (VCV004842408.1).

ClinVar aggregate classification (germline): Uncertain significance (1 of 4 stars; one submission).

Conditions:
Hereditary cancer-predisposing syndrome. Also called: Neoplastic Syndromes, Hereditary; Tumor predisposition; Hereditary Cancer Syndrome; Hereditary neoplastic syndrome. Identifiers: Orphanet 140162, MedGen C0027672, MeSH D009386, MONDO:0015356.

Submission:

Ambry Genetics
Classification: Uncertain significance for Hereditary cancer-predisposing syndrome. Last evaluated: 2026-01-05. Review status: criteria provided, single submitter. Criteria: Ambry Variant Classification Scheme 2023. Collection method: clinical testing. Allele origin: germline.
Comment: The c.3660_3662delCTC variant (also known as p.S1221del) is located in coding exon 30 of the TSC2 gene. This variant results from an in-frame CTC deletion at nucleotide positions 3660 to 3662. This results in the in-frame deletion of a serine at codon 1221. This amino acid position is highly conserved in available vertebrate species. In addition, the in silico prediction for this variant is inconclusive (Choi Y et al. PLoS ONE. 2012; 7(10):e46688). Based on the available evidence, the clinical significance of this variant remains unclear.